The following is an entry in ClinVar:

ClinVar aggregate classification (germline): Uncertain significance. Review status: criteria provided, multiple submitters, no conflicts (2 of 4 stars). 5 submissions from 3 submitters: Uncertain significance (5). Last evaluated 2022-07-05.

Conditions:
Weill-Marchesani syndrome. Also called: WM Syndrome; Mesodermal dysmorphodystrophy congenital. Identifiers: Orphanet 3449, MedGen C0265313, MONDO:0018096.
Glaucoma 3, primary congenital, D. Identifiers: Orphanet 98976, MedGen C2751316, MONDO:0013122, OMIM 613086.
Microspherophakia. Identifiers: MedGen C1562061, HP:0030961.
Weill-Marchesani syndrome 3 (WMS3). Also called: Weill-Marchesani syndrome 3, recessive; LTBP2-Related Weill-Marchesani Syndrome. Identifiers: Orphanet 3449, MedGen C3553785, MONDO:0013899, OMIM 614819.
Microspherophakia and/or megalocornea, with ectopia lentis and with or without secondary glaucoma (MSPKA). Identifiers: Orphanet 238763, MedGen C3538951, MONDO:0009633, OMIM 251750.

Allele frequency attached by ClinVar (database versions not stated): TOPMed 0.00001.

Submissions (5):

Labcorp Genetics (formerly Invitae), Labcorp
Classification: Uncertain significance. Last evaluated: 2022-07-05. Review status: criteria provided, single submitter. Criteria: Invitae Variant Classification Sherloc (09022015). Collection method: clinical testing. Allele origin: germline.
Comment: This variant has not been reported in the literature in individuals affected with LTBP2-related conditions. In summary, the available evidence is currently insufficient to determine the role of this variant in disease. Therefore, it has been classified as a Variant of Uncertain Significance. Algorithms developed to predict the effect of missense changes on protein structure and function (SIFT, PolyPhen-2, Align-GVGD) all suggest that this variant is likely to be disruptive. ClinVar contains an entry for this variant (Variation ID: 828006). This variant is present in population databases (rs199581688, gnomAD 0.0009%). This sequence change replaces arginine, which is basic and polar, with glycine, which is neutral and non-polar, at codon 660 of the LTBP2 protein (p.Arg660Gly).

Center for Genomics, Ann and Robert H. Lurie Children's Hospital of Chicago
Classification: Uncertain significance for Glaucoma 3, primary congenital, D; Microspherophakia and/or megalocornea, with ectopia lentis and with or without secondary glaucoma; Weill-Marchesani syndrome 3. Last evaluated: 2021-03-30. Review status: criteria provided, single submitter. Criteria: ACMG Guidelines, 2015. Collection method: clinical testing. Allele origin: germline.
Comment: LTBP2 NM_000428.2 exon 10 p.Arg660Gly (c.1978C>G): This variant has not been reported in the literature and is present in 0.001% (2/113448) of European alleles in the Genome Aggregation Database. Evolutionary conservation and computational predictive tools suggest that this variant may impact the protein. In summary, data on this variant is insufficient for disease classification. Therefore, the clinical significance of this variant is uncertain.

Center for Genomics, Ann and Robert H. Lurie Children's Hospital of Chicago
Classification: Uncertain significance for Glaucoma 3, primary congenital, D; Microspherophakia and/or megalocornea, with ectopia lentis and with or without secondary glaucoma; Weill-Marchesani syndrome 3. Last evaluated: 2019-04-15. Review status: criteria provided, single submitter. Criteria: ACMG Guidelines, 2015. Collection method: clinical testing. Allele origin: germline.
Comment: the same text as in the submission from Center for Genomics, Ann and Robert H. Lurie Children's Hospital of Chicago above.

Illumina Laboratory Services, Illumina
Classification: Uncertain significance for Weill-Marchesani syndrome. Last evaluated: 2018-01-13. Review status: criteria provided, single submitter. Criteria: ICSL Variant Classification Criteria 13 December 2019. Collection method: clinical testing. Allele origin: germline.

Illumina Laboratory Services, Illumina
Classification: Uncertain significance for Glaucoma 3, primary congenital, D. Last evaluated: 2018-01-13. Review status: criteria provided, single submitter. Criteria: ICSL Variant Classification Criteria 13 December 2019. Collection method: clinical testing. Allele origin: germline.

NM_000428.3(LTBP2):c.1978C>G (p.Arg660Gly)

Gene: LTBP2 (latent transforming growth factor beta binding protein 2; minus strand). Cytogenetic location: 14q24.3.
Variant type: single nucleotide variant.
Coding change: c.1978C>G on transcript NM_000428.3 (MANE Select); coding-DNA position 1978, C replaced by G.
Protein change: p.Arg660Gly; replaces arginine 660 with glycine.
Molecular consequence: missense variant.
Genome position (GRCh38, 1-based): chr14:74,532,435, G>C on the plus strand (C>G on the coding strand, the complement: LTBP2 is on the minus strand). VCF-style: chr14-74532435-G-C. GRCh37 (hg19) VCF-style: chr14-74999138-G-C.
Other names: short protein forms R660G.
Identifiers: ClinVar variation 828006 (VCV000828006.9), dbSNP rs199581688, ClinGen allele CA7269694.
Genomic context (GRCh38, chr14:74,532,435, plus strand): 5'-CCCATCTTGTCTCCCACTGTCCACCCCCACCCCATCCCTGCCAGCACTCACACACACAGC[G>C]GCTCCGCGATGGATCCAGCATGAGGCCAGGTCTGCATGTGCACAGGTAGCTGCCCCTGGT-3'
Protein context (NP_000419.1, residues 650-670): PGLMLDPSRS[Arg660Gly]CVSDKAISML